The following is an entry in ClinVar:

ClinVar aggregate classification (germline): Pathogenic/Likely pathogenic. Review status: criteria provided, multiple submitters, no conflicts (2 of 4 stars). 3 submissions from 3 submitters: Pathogenic (1); Likely pathogenic (2). Last evaluated 2024-10-26.

Conditions:
TTN-related disorder. Also called: TTN-related disorders; TTN-related condition; TTN-related disease.
Dilated cardiomyopathy 1G (CMD1G). Identifiers: Orphanet 154, MedGen C1858763, MONDO:0011400, OMIM 604145.
Autosomal recessive limb-girdle muscular dystrophy type 2J (LGMDR10). Also called: Limb-girdle muscular dystrophy, type 2J; MUSCULAR DYSTROPHY, LIMB-GIRDLE, AUTOSOMAL RECESSIVE 10. Identifiers: Orphanet 140922, MedGen C1837342, MONDO:0012127, OMIM 608807.
Primary dilated cardiomyopathy (DCM). Also called: Dilated Cardiomyopathy. Identifiers: Orphanet 217604, MedGen C0007193, MeSH D002311, MONDO:0005021, HP:0001644. Inheritance: Various modes of inheritance.

Allele frequency attached by ClinVar (database versions not stated): gnomAD exomes 0.00002; gnomAD 0.00001; TOPMed 0.00001.

Submissions (3):

Labcorp Genetics (formerly Invitae), Labcorp
Classification: Likely pathogenic for Dilated cardiomyopathy 1G; Autosomal recessive limb-girdle muscular dystrophy type 2J. Last evaluated: 2024-10-26. Review status: criteria provided, single submitter. Criteria: Invitae Variant Classification Sherloc (09022015). Collection method: clinical testing. Allele origin: germline.
Comment: This sequence change creates a premature translational stop signal (p.Gln34983*) in the TTN gene. While this is not anticipated to result in nonsense mediated decay, it is expected to create a truncated TTN protein. This variant is not present in population databases (gnomAD no frequency). This premature translational stop signal has been observed in individual(s) with dilated cardiomyopathy (PMID: 33996946; internal data). ClinVar contains an entry for this variant (Variation ID: 667024). This variant is located in the M band of TTN (PMID: 25589632). Truncating variants in this region have been previously reported in individuals affected with autosomal dominant or autosomal recessive myopathy and muscular dystrophy (PMID: 18948003, 23975875, 24395473). Truncating variants in this region have also been identified in individuals affected with autosomal dominant dilated cardiomyopathy and/or cardio-related conditions (PMID: 27869827, 32964742, internal data). In summary, the currently available evidence indicates that the variant is pathogenic, but additional data are needed to prove that conclusively. Therefore, this variant has been classified as Likely Pathogenic.

Blueprint Genetics
Classification: Pathogenic for TTN-related disorders. Last evaluated: 2023-04-10. Review status: criteria provided, single submitter. Criteria: ACMG Guidelines, 2015. Collection method: clinical testing. Allele origin: germline. Affected: yes. Observed: 1 variant allele.

Laboratory for Molecular Medicine, Mass General Brigham Personalized Medicine
Classification: Likely pathogenic for Primary dilated cardiomyopathy. Last evaluated: 2019-01-02. Review status: criteria provided, single submitter. Criteria: LMM Criteria. Collection method: clinical testing. Allele origin: germline. Observed: 2 variant alleles.
Comment: The p.Gln32415X variant in TTN has not been previously reported in individuals w ith DCM and was absent from large population studies. This nonsense variant lead s to a premature termination codon at position 32415, which is predicted to lead to a truncated or absent protein. Nonsense and other truncating variants in TTN are strongly associated with DCM if they impact the exons encoding for the A-ba nd (Herman 2012, Pugh 2014) and/or are located in an exon that is highly express ed in the heart (Roberts 2015). The p.Gln32415X variant is located in a highly e xpressed exon in the M-band. In summary, although additional studies are require d to fully establish its clinical significance, this variant meets criteria to b e classified as likely pathogenic for autosomal dominant DCM. ACMG/AMP Criteria applied: PVS1, PM2.

Literature cited by the submitters: PubMed 33996946 (cited by Labcorp Genetics (formerly Invitae), Labcorp); PubMed 25589632 (cited by Labcorp Genetics (formerly Invitae), Labcorp); PubMed 18948003 (cited by Labcorp Genetics (formerly Invitae), Labcorp); PubMed 23975875 (cited by Labcorp Genetics (formerly Invitae), Labcorp); PubMed 24395473 (cited by Labcorp Genetics (formerly Invitae), Labcorp); PubMed 27869827 (cited by Labcorp Genetics (formerly Invitae), Labcorp); PubMed 32964742 (cited by Labcorp Genetics (formerly Invitae), Labcorp).

NM_001267550.2(TTN):c.104947C>T (p.Gln34983Ter)

Genes: TTN (titin; minus strand), TTN-AS1 (TTN antisense RNA 1; plus strand). Cytogenetic location: 2q31.2.
Variant type: single nucleotide variant.
Coding change: c.104947C>T on transcript NM_001267550.2 (MANE Select); coding-DNA position 104947, C replaced by T.
Protein change: p.Gln34983Ter; replaces glutamine 34983 with a stop codon.
Molecular consequence: nonsense.
Genome position (GRCh38, 1-based): chr2:178,531,668, G>A on the plus strand (C>T on the coding strand, the complement: TTN is on the minus strand). VCF-style: chr2-178531668-G-A. GRCh37 (hg19) VCF-style: chr2-179396395-G-A.
Other names: c.100024C>T, p.Gln33342Ter (NM_001256850.1); c.77752C>T, p.Gln25918Ter (NM_003319.4); c.97243C>T, p.Gln32415Ter (NM_133378.4); c.78127C>T, p.Gln26043Ter (NM_133432.3); c.78328C>T, p.Gln26110Ter (NM_133437.4); short protein forms Q26110*, Q32415*, Q34983*, Q25918*, Q26043*, Q33342*.
Identifiers: ClinVar variation 667024 (VCV000667024.8), dbSNP rs991187915, ClinGen allele CA60954275.